The following is an entry in ClinVar:

ClinVar aggregate classification (germline): Uncertain significance (1 of 4 stars; one submission).

gnomAD v4.1: 1 of 1,614,280 alleles (0.000062%); highest among the groups gnomAD compares: Non-Finnish European, 0.000085%; no homozygotes.

Submission:

CeGaT Center for Human Genetics Tuebingen
Classification: Uncertain significance. Last evaluated: 2025-05-01. Review status: criteria provided, single submitter. Criteria: CeGaT Center For Human Genetics Tuebingen Variant Classification Criteria Version 2. Collection method: clinical testing. Allele origin: germline. Affected: yes. Observed: 1 variant allele.
Comment: TRIO: PM2

NM_007118.4(TRIO):c.2295C>A (p.Asp765Glu)

Gene: TRIO (trio Rho guanine nucleotide exchange factor; plus strand). Cytogenetic location: 5p15.2.
Variant type: single nucleotide variant.
Coding change: c.2295C>A on transcript NM_007118.4 (MANE Select); coding-DNA position 2295, C replaced by A.
Protein change: p.Asp765Glu; replaces aspartic acid 765 with glutamic acid.
Molecular consequence: missense variant. On other transcripts: non-coding transcript variant (1).
Genome position (GRCh38, 1-based): chr5:14,359,435, C>A. VCF-style: chr5-14359435-C-A. GRCh37 (hg19) VCF-style: chr5-14359544-C-A.
Other names: short protein forms D765E.
Identifiers: ClinVar variation 3905873 (VCV003905873.10).
Genomic context (GRCh38, chr5:14,359,435, plus strand): 5'-TAACAAGACCCCCCACAACAGCTCCATCAACCACATTGAGACGGTGCTGCAGCAGCTGGA[C>A]GAGGCGCAGTCGCAGATGGAGGAGCTCTTCCAGGAGCGCAAGATCAAGCTGGAGCTCTTC-3'
Protein context (NP_009049.2, residues 755-775): NHIETVLQQL[Asp765Glu]EAQSQMEELF